The following is an entry in ClinVar:

NM_002769.5(PRSS1):c.533A>G (p.Lys178Arg)

Genes: PRSS1 (serine protease 1; plus strand), TRB (T cell receptor beta locus; plus strand). Cytogenetic location: 7q34.
Variant type: single nucleotide variant.
Coding change: c.533A>G on transcript NM_002769.5 (MANE Select); coding-DNA position 533, A replaced by G.
Protein change: p.Lys178Arg; replaces lysine 178 with arginine.
Molecular consequence: missense variant. On other transcripts: non-coding transcript variant (5).
Genome position (GRCh38, 1-based): chr7:142,752,509, A>G. VCF-style: chr7-142752509-A-G. GRCh37 (hg19) VCF-style: chr7-142460360-A-G.
Other names: short protein forms K178R.
Identifiers: ClinVar variation 3222815 (VCV003222815.2), dbSNP rs1239083612, ClinGen allele CA369610277.
Genomic context (GRCh38, chr7:142,752,509, plus strand): 5'-TGCAGTGCCTGGATGCTCCTGTGCTGAGCCAGGCTAAGTGTGAAGCCTCCTACCCTGGAA[A>G]GATTACCAGCAACATGTTCTGTGTGGGCTTCCTTGAGGGAGGCAAGGATTCATGTCAGGT-3'
Protein context (NP_002760.1, residues 168-188): QAKCEASYPG[Lys178Arg]ITSNMFCVGF

ClinVar aggregate classification (germline): Uncertain significance (1 of 4 stars; one submission).

Conditions:
Hereditary pancreatitis (PCTT). Also called: Hereditary chronic pancreatitis; PRSS1-Related Hereditary Pancreatitis. Identifiers: Orphanet 676, MedGen C0238339, MONDO:0008185, OMIM 167800.

gnomAD v4.1: 2 of 1,614,208 alleles (0.00012%); highest among the groups gnomAD compares: East Asian, 0.0022%; no homozygotes.

Submission:

Ambry Genetics
Classification: Uncertain significance for Hereditary pancreatitis. Last evaluated: 2025-08-04. Review status: criteria provided, single submitter. Criteria: Ambry Variant Classification Scheme 2023. Collection method: clinical testing. Allele origin: germline.
Comment: The p.K178R variant (also known as c.533A>G), located in coding exon 4 of the PRSS1 gene, results from an A to G substitution at nucleotide position 533. The lysine at codon 178 is replaced by arginine, an amino acid with highly similar properties. This amino acid position is conserved. In addition, this alteration is predicted to be tolerated by in silico analysis. Since supporting evidence is limited at this time, the clinical significance of this alteration remains unclear.